The following is an entry in ClinVar:

ClinVar aggregate classification (germline): Uncertain significance (1 of 4 stars; one submission).

Conditions:
Familial adenomatous polyposis 1 (FAP1). Also called: FAMILIAL ADENOMATOUS POLYPOSIS 1, ATTENUATED; POLYPOSIS, ADENOMATOUS INTESTINAL. Identifiers: MedGen C2713442, MONDO:0021056, OMIM 175100. Disease mechanism: loss of function.

Allele frequency attached by ClinVar (database versions not stated): TOPMed 0.00002; gnomAD 0.00001.

Submission:

Labcorp Genetics (formerly Invitae), Labcorp
Classification: Uncertain significance for Familial adenomatous polyposis 1. Last evaluated: 2025-11-24. Review status: criteria provided, single submitter. Criteria: Invitae Variant Classification Sherloc (09022015). Collection method: clinical testing. Allele origin: germline.
Comment: This variant occurs in a non-coding region of the APC gene. It does not change the encoded amino acid sequence of the APC protein. This variant is not present in population databases (gnomAD no frequency). This variant has not been reported in the literature in individuals affected with APC-related conditions. ClinVar contains an entry for this variant (Variation ID: 469880). Experimental studies and prediction algorithms are not available or were not evaluated, and the functional significance of this variant is currently unknown. In summary, the available evidence is currently insufficient to determine the role of this variant in disease. Therefore, it has been classified as a Variant of Uncertain Significance.

NC_000005.10:g.112707414G>T

Gene: APC (APC regulator of Wnt signaling pathway; plus strand). Cytogenetic location: 5q22.2.
Variant type: single nucleotide variant.
Genome position: GRCh38 VCF-style: chr5-112707414-G-T. GRCh37 (hg19) VCF-style: chr5-112043111-G-T.
Identifiers: ClinVar variation 469880 (VCV000469880.44), dbSNP rs1432662523, ClinGen allele CA658655874.